The following is an entry in ClinVar:

ClinVar aggregate classification (germline): Likely pathogenic. Review status: criteria provided, multiple submitters, no conflicts (2 of 4 stars). 2 submissions from 2 submitters: Likely pathogenic (2). Last evaluated 2024-06-11.

Conditions:
X-linked Alport syndrome (ATS1). Also called: NEPHROPATHY AND DEAFNESS, X-LINKED; COL4A5-Related Nephropathy. Identifiers: Orphanet 63, Orphanet 88917, MedGen C4746986, MONDO:0010520, OMIM 301050.

Submissions (2):

Mayo Clinic Laboratories, Mayo Clinic
Classification: Likely pathogenic. Last evaluated: 2024-06-11. Review status: criteria provided, single submitter. Criteria: ACMG Guidelines, 2015. Collection method: clinical testing. Allele origin: germline. Observed: 1 variant allele.
Comment: PP3, PP4, PM1_strong, PM2

Fulgent Genetics
Classification: Likely pathogenic for X-linked Alport syndrome. Last evaluated: 2024-04-17. Review status: criteria provided, single submitter. Criteria: ACMG Guidelines, 2015. Collection method: clinical testing. Allele origin: germline.

Literature cited by the submitters: PubMed 23371956 (cited by Mayo Clinic Laboratories, Mayo Clinic); PubMed 24033287 (cited by Mayo Clinic Laboratories, Mayo Clinic).

NM_033380.3(COL4A5):c.2482G>C (p.Gly828Arg)

Gene: COL4A5 (collagen type IV alpha 5 chain; plus strand). Cytogenetic location: Xq22.3.
Variant type: single nucleotide variant.
Coding change: c.2482G>C on transcript NM_033380.3 (MANE Select); coding-DNA position 2482, G replaced by C.
Protein change: p.Gly828Arg; replaces glycine 828 with arginine.
Molecular consequence: missense variant.
Genome position (GRCh38, 1-based): chrX:108,614,997, G>C. VCF-style: chrX-108614997-G-C. GRCh37 (hg19) VCF-style: chrX-107858227-G-C.
Other names: p.Gly828Arg; c.2482G>C, p.Gly828Arg (NM_000495.5); short protein forms G828R.
Identifiers: ClinVar variation 3380929 (VCV003380929.2).
Genomic context (GRCh38, chrX:108,614,997, plus strand): 5'-GGACCAATGGGACCTCCTGGGCTGCCAGGAATAGGTGTTCAGGGACCACCAGGACCACCA[G>C]GGATTCCTGGGCCAATAGGTCAACCTGGTAAGATTAGAGTAAATGTGCATTTTGTAGCAC-3'
Protein context (NP_203699.1, residues 818-838): IGVQGPPGPP[Gly828Arg]IPGPIGQPGL